The following is an entry in ClinVar:

ClinVar aggregate classification (germline): Pathogenic (1 of 4 stars; one submission).

Conditions:
Glycogen storage disease, type II (IOPD). Also called: Glucosidase acid-1,4-alpha deficiency; Pompe Disease; GLYCOGENOSIS, GENERALIZED, CARDIAC FORM; GSD II; Glycogen storage disease type 2; Acid maltase deficiency disease. Identifiers: Orphanet 365, MedGen C0017921, MONDO:0009290, OMIM 232300.

Submission:

Labcorp Genetics (formerly Invitae), Labcorp
Classification: Pathogenic for Glycogen storage disease, type II. Last evaluated: 2019-05-09. Review status: criteria provided, single submitter. Criteria: Invitae Variant Classification Sherloc (09022015). Collection method: clinical testing. Allele origin: germline.
Comment: This variant is not present in population databases (ExAC no frequency). For these reasons, this variant has been classified as Pathogenic. Loss-of-function variants in GAA are known to be pathogenic (PMID: 18425781, 22252923). This variant has not been reported in the literature in individuals with GAA-related conditions. This sequence change creates a premature translational stop signal (p.Arg456Glyfs*56) in the GAA gene. It is expected to result in an absent or disrupted protein product.

Literature cited by the submitters: PubMed 18425781; PubMed 22252923.

NM_000152.5(GAA):c.1347_1365dup (p.Arg456fs)

Gene: GAA (alpha glucosidase; plus strand). Cytogenetic location: 17q25.3.
Variant type: Duplication.
Coding change: c.1347_1365dup on transcript NM_000152.5 (MANE Select); coding-DNA positions 1347 to 1365, 19 bases duplicated (GGGCCCTGCCGGGAGCTAC).
Protein change: p.Arg456fs; shifts the reading frame from arginine 456.
Molecular consequence: frameshift variant.
Genome position (GRCh38, 1-based): chr17:80,109,965-80,109,983, GGGCCCTGCCGGGAGCTAC duplicated; duplicating any 19 consecutive bases within chr17:80,109,964-80,109,983 gives the same sequence; the c. name uses the placement nearest the transcript's 3' end. VCF-style (leftmost placement, unchanged base first): chr17-80109963-T-TCGGGCCCTGCCGGGAGCTA. GRCh37 (hg19) VCF-style: chr17-78083762-T-TCGGGCCCTGCCGGGAGCTA.
Other names: c.1347_1365dup, p.Arg456fs (NM_001079803.3, NM_001079804.3); short protein forms R456fs.
Identifiers: ClinVar variation 861183 (VCV000861183.8), dbSNP rs2039190879, ClinGen allele CA916082442.
Genomic context (GRCh38, chr17:80,109,963, plus strand): 5'-GCTCTGGGCCACCCTCACCTTGACAGGTTTCCCTCTTCCCAGGATCCTGCCATCAGCAGC[T>TCGGGCCCTGCCGGGAGCTA]CGGGCCCTGCCGGGAGCTACAGGCCCTACGACGAGGGTCTGCGGAGGGGGGTTTTCATCA-3'